The following is an entry in ClinVar:

ClinVar aggregate classification (germline): Uncertain significance (1 of 4 stars; one submission).

Conditions:
Cardiovascular phenotype. Identifiers: MedGen CN230736.

gnomAD v4.1: 1 of 1,606,466 alleles (0.000062%); highest among the groups gnomAD compares: Non-Finnish European, 0.000085%; no homozygotes.

Submission:

Ambry Genetics
Classification: Uncertain significance for Cardiovascular phenotype. Last evaluated: 2024-08-03. Review status: criteria provided, single submitter. Criteria: Ambry Variant Classification Scheme 2023. Collection method: clinical testing. Allele origin: germline.
Comment: The p.L18P variant (also known as c.53T>C), located in coding exon 1 of the CACNA2D1 gene, results from a T to C substitution at nucleotide position 53. The leucine at codon 18 is replaced by proline, an amino acid with similar properties. This amino acid position is conserved. In addition, the in silico prediction for this alteration is inconclusive. Based on the available evidence, the clinical significance of this variant remains unclear.

NM_000722.4(CACNA2D1):c.53T>C (p.Leu18Pro)

Gene: CACNA2D1 (calcium voltage-gated channel auxiliary subunit alpha2delta 1; minus strand). Cytogenetic location: 7q21.11.
Variant type: single nucleotide variant.
Coding change: c.53T>C on transcript NM_000722.4 (MANE Select); coding-DNA position 53, T replaced by C.
Protein change: p.Leu18Pro; replaces leucine 18 with proline.
Molecular consequence: missense variant.
Genome position (GRCh38, 1-based): chr7:82,443,407, A>G on the plus strand (T>C on the coding strand, the complement: CACNA2D1 is on the minus strand). VCF-style: chr7-82443407-A-G. GRCh37 (hg19) VCF-style: chr7-82072723-A-G.
Other names: c.53T>C, p.Leu18Pro (NM_001302890.2, NM_001366867.1); short protein forms L18P.
Identifiers: ClinVar variation 3484075 (VCV003484075.1).